The following is an entry in ClinVar:

ClinVar aggregate classification (germline): Uncertain significance (1 of 4 stars; one submission).

Conditions:
Inborn genetic diseases. Identifiers: MedGen C0950123, MeSH D030342.

Submission:

Ambry Genetics
Classification: Uncertain significance for Inborn genetic diseases. Last evaluated: 2025-02-02. Review status: criteria provided, single submitter. Criteria: Ambry Variant Classification Scheme 2023. Collection method: clinical testing. Allele origin: germline.
Comment: The p.A113V variant (also known as c.338C>T), located in coding exon 1 of the CEBPA gene, results from a C to T substitution at nucleotide position 338. The alanine at codon 113 is replaced by valine, an amino acid with similar properties. This amino acid position is conserved. In addition, this alteration is predicted to be tolerated by in silico analysis. Based on the available evidence, the clinical significance of this variant remains unclear.

NM_004364.5(CEBPA):c.338C>T (p.Ala113Val)

Gene: CEBPA (CCAAT enhancer binding protein alpha; minus strand). Cytogenetic location: 19q13.11.
Variant type: single nucleotide variant.
Coding change: c.338C>T on transcript NM_004364.5 (MANE Select); coding-DNA position 338, C replaced by T.
Protein change: p.Ala113Val; replaces alanine 113 with valine.
Molecular consequence: missense variant. On other transcripts: 5 prime UTR variant (1).
Genome position (GRCh38, 1-based): chr19:33,302,077, G>A on the plus strand (C>T on the coding strand, the complement: CEBPA is on the minus strand). VCF-style: chr19-33302077-G-A. GRCh37 (hg19) VCF-style: chr19-33792983-G-A.
Other names: c.-20C>T (NM_001285829.2); c.443C>T, p.Ala148Val (NM_001287424.2); c.296C>T, p.Ala99Val (NM_001287435.2); short protein forms A113V, A99V, A148V.
Identifiers: ClinVar variation 3831210 (VCV003831210.1).
Genomic context (GRCh38, chr19:33,302,077, plus strand): 5'-CAGCCGTAGCCGGGCGGGGGCCCGTGCGCTCCCCCGGGCATGACGGCGCCGCCGGGGCCC[G>A]CGGGCGCGCCCGGGTAGTCAAAGTCGCCGCCGCCGCCGCCGCCCGTGGGGCCCACGGCCG-3'
Protein context (NP_004355.2, residues 103-123): GGDFDYPGAP[Ala113Val]GPGGAVMPGG